The following is an entry in ClinVar:

ClinVar aggregate classification (germline): Uncertain significance (1 of 4 stars; one submission).

Submission:

GeneDx
Classification: Uncertain significance. Last evaluated: 2017-02-07. Review status: criteria provided, single submitter. Criteria: GeneDx Variant Classification (06012015). Collection method: clinical testing. Allele origin: germline. Affected: yes.
Comment: The I355M variant in the DNM1L gene has not been reported previously as a pathogenic variant, nor as a benign variant, to our knowledge. The I355M variant is not observed in large population cohorts (Lek et al., 2016; 1000 Genomes Consortium et al., 2015; Exome Variant Server). The I355M variant is a conservative amino acid substitution, which occurs at a position that is conserved across species. In silico analysis predicts this variant is probably damaging to the protein structure/function. We interpret I355M as a variant of uncertain significance.

NM_012062.5(DNM1L):c.1065T>G (p.Ile355Met)

Gene: DNM1L (dynamin 1 like; plus strand). Cytogenetic location: 12p11.21.
Variant type: single nucleotide variant.
Coding change: c.1065T>G on transcript NM_012062.5 (MANE Select); coding-DNA position 1065, T replaced by G.
Protein change: p.Ile355Met; replaces isoleucine 355 with methionine.
Molecular consequence: missense variant.
Genome position (GRCh38, 1-based): chr12:32,722,619, T>G. VCF-style: chr12-32722619-T-G. GRCh37 (hg19) VCF-style: chr12-32875553-T-G.
Other names: c.1065T>G, p.Ile355Met (NM_001278463.2, NM_005690.5, NM_012063.4); c.1104T>G, p.Ile368Met (NM_001278464.2, NM_001278465.2, NM_001330380.2); c.456T>G, p.Ile152Met (NM_001278466.2); short protein forms I355M, I368M, I152M.
Identifiers: ClinVar variation 423163 (VCV000423163.2), dbSNP rs374035685, ClinGen allele CA16619509.